The following is an entry in ClinVar:

ClinVar aggregate classification (germline): Likely pathogenic. Review status: criteria provided, single submitter (1 of 4 stars). 2 submissions from 2 submitters: Likely pathogenic (1). 1 of the submissions does not count toward it. Last evaluated 2025-07-09.

Conditions:
Spastic paraplegia 82, autosomal recessive (SPG82). Identifiers: Orphanet 631073, MedGen C5394037, MONDO:0032906, OMIM 618770.

Allele frequency attached by ClinVar (database versions not stated): gnomAD exomes 0.00002; ExAC 0.00003.

Submissions (2):

3billion
Classification: Likely pathogenic for Spastic paraplegia 82, autosomal recessive. Last evaluated: 2025-07-09. Review status: criteria provided, single submitter. Criteria: ACMG Guidelines, 2015. Collection method: clinical testing. Allele origin: germline. Affected: yes.
Comment: The variant is observed at an extremely low frequency in the gnomAD v4.1.0 dataset (total allele frequency: 0.001%). Predicted Consequence/Location: Missense variant Functional studies provide moderate evidence of the variant having a damaging effect on the gene or gene product (PMID: 31637422). In silico tool predictions suggest damaging effect of the variant on gene or gene product [REVEL: 0.98 (>=0.6, sensitivity 0.68 and specificity 0.92)]. The same nucleotide change resulting in the same amino acid change has been previously reported to be associated with PCYT2-related disorder (ClinVar ID: VCV000812572 /PMID: 31637422 /3billion dataset). The variant has been reported to be in trans with a pathogenic variant as either compound heterozygous or homozygous in at least one similarly affected unrelated individual (PMID: 31637422). A different missense change at the same codon (p.His226Arg) has been reported to be associated with PCYT2-related disorder (PMID: 36344539). Therefore, this variant is classified as Likely pathogenic according to the recommendation of ACMG/AMP guideline.

OMIM
Classification: Pathogenic for SPASTIC PARAPLEGIA 82, AUTOSOMAL RECESSIVE. Last evaluated: 2020-02-14. Review status: no assertion criteria provided. Collection method: literature only. Allele origin: germline. Not counted in ClinVar's aggregate classification.

Literature cited by the submitters: PubMed 36344539 (cited by 3billion); PubMed 31637422 (cited by 3billion and OMIM).

NM_002861.5(PCYT2):c.676C>T (p.His226Tyr)

Gene: PCYT2 (phosphate cytidylyltransferase 2, ethanolamine; minus strand). Cytogenetic location: 17q25.3.
Variant type: single nucleotide variant.
Coding change: c.676C>T on transcript NM_002861.5 (MANE Select); coding-DNA position 676, C replaced by T.
Protein change: p.His226Tyr; replaces histidine 226 with tyrosine.
Molecular consequence: missense variant.
Genome position (GRCh38, 1-based): chr17:81,906,760, G>A on the plus strand (C>T on the coding strand, the complement: PCYT2 is on the minus strand). VCF-style: chr17-81906760-G-A. GRCh37 (hg19) VCF-style: chr17-79864636-G-A.
Other names: P307L; c.730C>T, p.His244Tyr (NM_001184917.3); c.514C>T, p.His172Tyr (NM_001256433.3); c.553C>T, p.His185Tyr (NM_001256434.3); c.442C>T, p.His148Tyr (NM_001256435.3, NM_001282203.2); c.580C>T, p.His194Tyr (NM_001282204.2); c.676C>T, p.His226Tyr (NM_001330518.2); short protein forms H148Y, H172Y, H185Y, H194Y, H226Y, H244Y.
Identifiers: ClinVar variation 812572 (VCV000812572.3), dbSNP rs778113360, ClinGen allele CA8844279.
Genomic context (GRCh38, chr17:81,906,760, plus strand): 5'-GGCCCCCGGGTCCCACCCCATGTGGCACATGTAGGGGAGCAGCAGAGGCCCAGAGGATAC[G>A]GAACAGGTCGAAGGCACCAGCCACATAGATGACTGTCTCCCCTGGCTGGGGCTCCTTCCC-3'
Protein context (NP_002852.1, residues 216-236): IYVAGAFDLF[His226Tyr]IGHVDFLEKV